The following is an entry in ClinVar:

ClinVar aggregate classification (germline): Uncertain significance (1 of 4 stars; one submission).

Conditions:
Larsen-like syndrome, B3GAT3 type. Also called: Multiple joint dislocations, short stature, craniofacial dysmorphism, with or without congenital heart defects; MULTIPLE JOINT DISLOCATIONS, SHORT STATURE, AND CRANIOFACIAL DYSMORPHISM WITH OR WITHOUT CONGENITAL HEART DEFECTS. Identifiers: Orphanet 284139, MedGen CN034159, MONDO:0009511, OMIM 245600.

Submission:

Labcorp Genetics (formerly Invitae), Labcorp
Classification: Uncertain significance for Larsen-like syndrome, B3GAT3 type. Last evaluated: 2024-03-19. Review status: criteria provided, single submitter. Criteria: Invitae Variant Classification Sherloc (09022015). Collection method: clinical testing. Allele origin: germline.
Comment: This sequence change replaces alanine, which is neutral and non-polar, with serine, which is neutral and polar, at codon 269 of the B3GAT3 protein (p.Ala269Ser). This variant is not present in population databases (gnomAD no frequency). This variant has not been reported in the literature in individuals affected with B3GAT3-related conditions. Advanced modeling of protein sequence and biophysical properties (such as structural, functional, and spatial information, amino acid conservation, physicochemical variation, residue mobility, and thermodynamic stability) has been performed at Invitae for this missense variant, however the output from this modeling did not meet the statistical confidence thresholds required to predict the impact of this variant on B3GAT3 protein function. In summary, the available evidence is currently insufficient to determine the role of this variant in disease. Therefore, it has been classified as a Variant of Uncertain Significance.

NM_012200.4(B3GAT3):c.805G>T (p.Ala269Ser)

Gene: B3GAT3 (beta-1,3-glucuronyltransferase 3; minus strand). Cytogenetic location: 11q12.3.
Variant type: single nucleotide variant.
Coding change: c.805G>T on transcript NM_012200.4 (MANE Select); coding-DNA position 805, G replaced by T.
Protein change: p.Ala269Ser; replaces alanine 269 with serine.
Molecular consequence: missense variant. On other transcripts: non-coding transcript variant (1).
Genome position (GRCh38, 1-based): chr11:62,616,610, C>A on the plus strand (G>T on the coding strand, the complement: B3GAT3 is on the minus strand). VCF-style: chr11-62616610-C-A. GRCh37 (hg19) VCF-style: chr11-62384082-C-A.
Other names: c.784G>T, p.Ala262Ser (NM_001288721.2); c.805G>T, p.Ala269Ser (NM_001288722.2, NM_001288723.2); short protein forms A262S, A269S.
Identifiers: ClinVar variation 3640000 (VCV003640000.2).
Genomic context (GRCh38, chr11:62,616,610, plus strand): 5'-CAAGGTGGCTCAGAAGACTGCTCTCCAGGTGGCCCCGGGGAGCGGTGGAATCAAATTGGG[C>A]ATTGGGCTTATCTAACAGCAAGGGCAGGGCCACGGCAAATCCAGCCATATCCACAGGGAA-3'
Protein context (NP_036332.2, residues 259-279): ALPLLLDKPN[Ala269Ser]QFDSTAPRGH